The following is an entry in ClinVar:

NM_001371986.1(UNC80):c.3773T>C (p.Ile1258Thr)

Genes: UNC80 (unc-80 subunit of NALCN channel complex; plus strand), LOC121725110 (Sharpr-MPRA regulatory region 8902; plus strand). Cytogenetic location: 2q34.
Variant type: single nucleotide variant.
Coding change: c.3773T>C on transcript NM_001371986.1 (MANE Select); coding-DNA position 3773, T replaced by C.
Protein change: p.Ile1258Thr; replaces isoleucine 1258 with threonine.
Molecular consequence: missense variant.
Genome position (GRCh38, 1-based): chr2:209,872,903, T>C. VCF-style: chr2-209872903-T-C. GRCh37 (hg19) VCF-style: chr2-210737627-T-C.
Other names: c.3779T>C, p.Ile1260Thr (NM_032504.2); c.3764T>C, p.Ile1255Thr (NM_182587.4); c.3779T>C (NM_032504.1); short protein forms I1258T, I1260T, I1255T.
Identifiers: ClinVar variation 2092642 (VCV002092642.2), dbSNP rs2084423190, ClinGen allele CA350742400.

ClinVar aggregate classification (germline): Uncertain significance. Review status: criteria provided, multiple submitters, no conflicts (2 of 4 stars). 2 submissions from 2 submitters: Uncertain significance (2). Last evaluated 2024-01-08.

Conditions:
Hypotonia, infantile, with psychomotor retardation and characteristic facies 2 (IHPRF2). Also called: UNC80 Deficiency. Identifiers: Orphanet 371364, Orphanet 700333, MedGen C4225203, MONDO:0014777, OMIM 616801.

Allele frequency attached by ClinVar (database versions not stated): TOPMed below 0.00001.
gnomAD v4.1: 2 of 1,551,536 alleles (0.00013%); highest among the groups gnomAD compares: East Asian, 0.0024%; no homozygotes.

Submissions (2):

Fulgent Genetics
Classification: Uncertain significance for Hypotonia, infantile, with psychomotor retardation and characteristic facies 2. Last evaluated: 2024-01-08. Review status: criteria provided, single submitter. Criteria: ACMG Guidelines, 2015. Collection method: clinical testing. Allele origin: germline.

Labcorp Genetics (formerly Invitae), Labcorp
Classification: Uncertain significance. Last evaluated: 2022-03-09. Review status: criteria provided, single submitter. Criteria: Invitae Variant Classification Sherloc (09022015). Collection method: clinical testing. Allele origin: germline.
Comment: This sequence change replaces isoleucine, which is neutral and non-polar, with threonine, which is neutral and polar, at codon 1260 of the UNC80 protein (p.Ile1260Thr). This variant is not present in population databases (gnomAD no frequency). This variant has not been reported in the literature in individuals affected with UNC80-related conditions. Algorithms developed to predict the effect of missense changes on protein structure and function output the following: SIFT: "Not Available"; PolyPhen-2: "Possibly Damaging"; Align-GVGD: "Not Available". The threonine amino acid residue is found in multiple mammalian species, which suggests that this missense change does not adversely affect protein function. In summary, the available evidence is currently insufficient to determine the role of this variant in disease. Therefore, it has been classified as a Variant of Uncertain Significance.